The following is an entry in ClinVar:

ClinVar aggregate classification (germline): Uncertain significance (1 of 4 stars; one submission).

Allele frequency attached by ClinVar (database versions not stated): gnomAD exomes 0.00001; TOPMed 0.00001.
gnomAD v4.1: 10 of 1,041,628 alleles (0.00096%); highest among the groups gnomAD compares: East Asian, 0.0051%; no homozygotes.

Submission:

Labcorp Genetics (formerly Invitae), Labcorp
Classification: Uncertain significance. Last evaluated: 2025-09-02. Review status: criteria provided, single submitter. Criteria: Invitae Variant Classification Sherloc (09022015). Collection method: clinical testing. Allele origin: germline.
Comment: This sequence change falls in intron 12 of the IFT88 gene. It does not directly change the encoded amino acid sequence of the IFT88 protein. This variant is present in population databases (rs751767295, gnomAD 0.008%). This variant has not been reported in the literature in individuals affected with IFT88-related conditions. ClinVar contains an entry for this variant (Variation ID: 1911957). Algorithms developed to predict the effect of sequence changes on RNA splicing suggest that this variant may disrupt the consensus splice site. In summary, the available evidence is currently insufficient to determine the role of this variant in disease. Therefore, it has been classified as a Variant of Uncertain Significance.

NM_006531.5(IFT88):c.698-8T>A

Gene: IFT88 (intraflagellar transport 88; plus strand). Cytogenetic location: 13q12.11.
Variant type: single nucleotide variant.
Coding change: c.698-8T>A on transcript NM_006531.5 (MANE Select); 8 bases into the intron before coding-DNA position 698, T replaced by A.
Molecular consequence: intron variant.
Genome position (GRCh38, 1-based): chr13:20,599,443, T>A. VCF-style: chr13-20599443-T-A. GRCh37 (hg19) VCF-style: chr13-21173582-T-A.
Other names: c.725-8T>A (NM_001318493.2, NM_175605.5, NM_001353570.2 and 6 more transcripts); c.698-8T>A (NM_001353568.2, NM_001353572.2, NM_001353571.2 and 1 more transcripts); c.65-8T>A (NM_001353579.2); c.641-8T>A (NM_001353575.2, NM_001318491.2, NM_001353573.2 and 1 more transcripts).
Identifiers: ClinVar variation 1911957 (VCV001911957.5), dbSNP rs751767295, ClinGen allele CA6905177.